The following is an entry in ClinVar:

NM_020738.4(KIDINS220):c.4296G>A (p.Glu1432=)

Gene: KIDINS220 (kinase D interacting substrate 220; minus strand). Cytogenetic location: 2p25.1.
Variant type: single nucleotide variant.
Coding change: c.4296G>A on transcript NM_020738.4 (MANE Select); coding-DNA position 4296, G replaced by A.
Protein change: p.Glu1432=; no amino-acid change (glutamic acid 1432 retained).
Molecular consequence: synonymous variant. On other transcripts: intron variant (6).
Genome position (GRCh38, 1-based): chr2:8,731,740, C>T on the plus strand (G>A on the coding strand, the complement: KIDINS220 is on the minus strand). VCF-style: chr2-8731740-C-T. GRCh37 (hg19) VCF-style: chr2-8871870-C-T.
Other names: c.4299G>A, p.Glu1433= (NM_001348729.2); c.4242G>A, p.Glu1414= (NM_001348731.2); c.4239G>A, p.Glu1413= (NM_001348732.2); c.4128G>A, p.Glu1376= (NM_001348734.2); c.4125G>A, p.Glu1375= (NM_001348735.2); c.3999G>A, p.Glu1333= (NM_001348736.2); c.3882+1704G>A (NM_001348741.2, NM_001348742.2, NM_001348743.2); c.3996+1704G>A (NM_001348738.2); and 1 more.
Identifiers: ClinVar variation 3356077 (VCV003356077.1).
Genomic context (GRCh38, chr2:8,731,740, plus strand): 5'-CATTAGAAAGGACTTCCTCCCATCATCGGGCTTTGGTTCACTATCCTTCCCCTTTTCTTG[C>T]TCTAGGTTTGAATGAATAGAGCCCCCTGATGAACTCTGACCCATGTAATATGTGCTATGT-3'
Protein context (NP_065789.1, residues 1422-1442): SSGGSIHSNL[Glu1432=]QEKGKDSEPK

ClinVar aggregate classification (germline): Likely benign (0 of 4 stars; one submission).

Conditions:
KIDINS220-related disorder. Also called: KIDINS220-related condition.

gnomAD v4.1: 2 of 1,614,110 alleles (0.00012%); highest among the groups gnomAD compares: Middle Eastern, 0.016%; no homozygotes.

Submission:

PreventionGenetics, part of Exact Sciences
Classification: Likely benign for KIDINS220-related condition. Last evaluated: 2023-03-12. Review status: no assertion criteria provided. Collection method: clinical testing. Allele origin: germline.
Comment: This variant is classified as likely benign based on ACMG/AMP sequence variant interpretation guidelines (Richards et al. 2015 PMID: 25741868, with internal and published modifications).